The following is an entry in ClinVar:

NR_003051.4(RMRP):n.6C>G

Gene: RMRP (RNA component of mitochondrial RNA processing endoribonuclease; minus strand). Cytogenetic location: 9p13.3.
Variant type: single nucleotide variant.
Molecular consequence: non-coding transcript variant (on NR_003051.4).
Genome position: GRCh38 VCF-style: chr9-35658014-G-C. GRCh37 (hg19) VCF-style: chr9-35658011-G-C.
Identifiers: ClinVar variation 3339262 (VCV003339262.1).

ClinVar aggregate classification (germline): Uncertain significance (1 of 4 stars; one submission).

gnomAD v4.1: 4 of 691,230 alleles (0.00058%); highest among the groups gnomAD compares: Non-Finnish European, 0.0011%; no homozygotes.

Submission:

Women's Health and Genetics/Laboratory Corporation of America, LabCorp
Classification: Uncertain significance. Last evaluated: 2024-07-29. Review status: criteria provided, single submitter. Criteria: LabCorp Variant Classification Summary - May 2015. Collection method: clinical testing. Allele origin: germline.
Comment: Variant summary: RMRP n.5C>G (also known as n.4C>G) alters a conserved nucleotide in the non-coding RNA sequence. The variant allele was found at a frequency of 5.8e-06 in 687586 control chromosomes (gnomAD v41 dataset). The available data on variant occurrences in the general population are insufficient to allow any conclusion about variant significance. To our knowledge, no occurrence of n.5C>A in individuals affected with Cartilage-Hair Hypoplasia and no experimental evidence demonstrating its impact on RNA function have been reported. However, a different variant affecting the same nucleotide, n.5C>T, has been reported in a patients affected with Cartilage-Hair hypoplasia, and been classified as Pathogenic by our laboratory (ClinVar variation ID 552477), supporting a structural importance for this nucleotide. No submitters have cited clinical-significance assessments for this variant to ClinVar. Based on the evidence outlined above, the variant was classified as uncertain significance.